The following is an entry in ClinVar:

ClinVar aggregate classification (germline): Conflicting classifications of pathogenicity. Review status: criteria provided, conflicting classifications (1 of 4 stars). 3 submissions from 3 submitters: Uncertain significance (2); Likely benign (1). Last evaluated 2026-06-15.

Conditions:
Hereditary cancer-predisposing syndrome. Also called: Hereditary neoplastic syndrome; Neoplastic Syndromes, Hereditary; Hereditary Cancer Syndrome; Tumor predisposition. Identifiers: Orphanet 140162, MedGen C0027672, MeSH D009386, MONDO:0015356.
Polyps, multiple and recurrent inflammatory fibroid, gastrointestinal. Identifiers: MedGen C5193005, MONDO:0008285, OMIM 175510.
Gastrointestinal stromal tumor. Also called: Gastrointestinal stromal tumor, somatic; Gastrointestinal stroma tumor. Identifiers: Orphanet 44890, MedGen C0238198, MeSH D046152, MONDO:0011719, OMIM 606764, HP:0100723.

Allele frequency attached by ClinVar (database versions not stated): gnomAD exomes below 0.00001 and 0.00001.
gnomAD v4.1: 2 of 1,613,752 alleles (0.00012%); highest among the groups gnomAD compares: Non-Finnish European, 0.00017%; no homozygotes.

Submissions (3):

Myriad Genetics, Inc.
Classification: Likely benign for Polyps, multiple and recurrent inflammatory fibroid, gastrointestinal. Last evaluated: 2026-06-15. Review status: criteria provided, single submitter. Criteria: Myriad Autosomal Dominant, Autosomal Recessive and X-Linked Classification Criteria (2023). Collection method: clinical testing. Allele origin: unknown.
Comment: This variant is considered likely benign. This variant has been observed at a population frequency that is significantly greater than expected given the associated disease prevalence and penetrance.

Labcorp Genetics (formerly Invitae), Labcorp
Classification: Uncertain significance for Gastrointestinal stromal tumor. Last evaluated: 2025-09-03. Review status: criteria provided, single submitter. Criteria: Invitae Variant Classification Sherloc (09022015). Collection method: clinical testing. Allele origin: germline.
Comment: This sequence change replaces proline, which is neutral and non-polar, with threonine, which is neutral and polar, at codon 765 of the PDGFRA protein (p.Pro765Thr). This variant is present in population databases (no rsID available, gnomAD 0.002%). This variant has not been reported in the literature in individuals affected with PDGFRA-related conditions. ClinVar contains an entry for this variant (Variation ID: 961192). Invitae Evidence Modeling of protein sequence and biophysical properties (such as structural, functional, and spatial information, amino acid conservation, physicochemical variation, residue mobility, and thermodynamic stability) indicates that this missense variant is not expected to disrupt PDGFRA protein function with a negative predictive value of 80%. In summary, the available evidence is currently insufficient to determine the role of this variant in disease. Therefore, it has been classified as a Variant of Uncertain Significance.

Ambry Genetics
Classification: Uncertain significance for Hereditary cancer-predisposing syndrome. Last evaluated: 2024-04-06. Review status: criteria provided, single submitter. Criteria: Ambry Variant Classification Scheme 2023. Collection method: clinical testing. Allele origin: germline.
Comment: The p.P765T variant (also known as c.2293C>A), located in coding exon 15 of the PDGFRA gene, results from a C to A substitution at nucleotide position 2293. The proline at codon 765 is replaced by threonine, an amino acid with highly similar properties. This amino acid position is highly conserved in available vertebrate species. In addition, this alteration is predicted to be deleterious by in silico analysis. Since supporting evidence is limited at this time, the clinical significance of this alteration remains unclear.

NM_006206.6(PDGFRA):c.2293C>A (p.Pro765Thr)

Gene: PDGFRA (platelet derived growth factor receptor alpha; plus strand). Cytogenetic location: 4q12.
Variant type: single nucleotide variant.
Coding change: c.2293C>A on transcript NM_006206.6 (MANE Select); coding-DNA position 2293, C replaced by A.
Protein change: p.Pro765Thr; replaces proline 765 with threonine.
Molecular consequence: missense variant.
Genome position (GRCh38, 1-based): chr4:54,280,452, C>A. VCF-style: chr4-54280452-C-A. GRCh37 (hg19) VCF-style: chr4-55146619-C-A.
Other names: c.2293C>A, p.Pro765Thr (NM_001347827.2, NM_001347829.2); c.2368C>A, p.Pro790Thr (NM_001347828.2); c.2332C>A, p.Pro778Thr (NM_001347830.2); short protein forms P765T, P778T, P790T.
Identifiers: ClinVar variation 961192 (VCV000961192.12), dbSNP rs1325295795, ClinGen allele CA356894493.